The following is an entry in ClinVar:

NM_005263.5(GFI1):c.377G>A (p.Gly126Asp)

Gene: GFI1 (growth factor independent 1 transcriptional repressor; minus strand). Cytogenetic location: 1p22.1.
Variant type: single nucleotide variant.
Coding change: c.377G>A on transcript NM_005263.5 (MANE Select); coding-DNA position 377, G replaced by A.
Protein change: p.Gly126Asp; replaces glycine 126 with aspartic acid.
Molecular consequence: missense variant.
Genome position (GRCh38, 1-based): chr1:92,481,010, C>T on the plus strand (G>A on the coding strand, the complement: GFI1 is on the minus strand). VCF-style: chr1-92481010-C-T. GRCh37 (hg19) VCF-style: chr1-92946567-C-T.
Other names: c.377G>A, p.Gly126Asp (NM_001127215.3, NM_001127216.3); short protein forms G126D.
Identifiers: ClinVar variation 3519858 (VCV003519858.1).

ClinVar aggregate classification (germline): Uncertain significance (1 of 4 stars; one submission).

Submission:

Ambry Genetics
Classification: Uncertain significance. Last evaluated: 2024-12-10. Review status: criteria provided, single submitter. Criteria: Ambry Variant Classification Scheme 2023. Collection method: clinical testing. Allele origin: germline.
Comment: The p.G126D variant (also known as c.377G>A), located in coding exon 3 of the GFI1 gene, results from a G to A substitution at nucleotide position 377. The glycine at codon 126 is replaced by aspartic acid, an amino acid with similar properties. This amino acid position is conserved. In addition, this alteration is predicted to be tolerated by in silico analysis. Based on the available evidence, the clinical significance of this variant remains unclear.